The following is an entry in ClinVar:

ClinVar aggregate classification (germline): Uncertain significance (1 of 4 stars; one submission).

Submission:

Labcorp Genetics (formerly Invitae), Labcorp
Classification: Uncertain significance. Last evaluated: 2022-12-02. Review status: criteria provided, single submitter. Criteria: Invitae Variant Classification Sherloc (09022015). Collection method: clinical testing. Allele origin: germline.
Comment: In summary, the available evidence is currently insufficient to determine the role of this variant in disease. Therefore, it has been classified as a Variant of Uncertain Significance. Algorithms developed to predict the effect of missense changes on protein structure and function are either unavailable or do not agree on the potential impact of this missense change (SIFT: "Deleterious"; PolyPhen-2: "Probably Damaging"; Align-GVGD: "Class C0"). This variant has not been reported in the literature in individuals affected with MKL1-related conditions. This variant is not present in population databases (gnomAD no frequency). This sequence change replaces leucine, which is neutral and non-polar, with methionine, which is neutral and non-polar, at codon 891 of the MKL1 protein (p.Leu891Met).

NM_020831.6(MRTFA):c.2971C>A (p.Leu991Met)

Gene: MRTFA (myocardin related transcription factor A; minus strand). Cytogenetic location: 22q13.1.
Variant type: single nucleotide variant.
Coding change: c.2971C>A on transcript NM_020831.6 (MANE Select); coding-DNA position 2971, C replaced by A.
Protein change: p.Leu991Met; replaces leucine 991 with methionine.
Molecular consequence: missense variant. On other transcripts: 3 prime UTR variant (1).
Genome position (GRCh38, 1-based): chr22:40,411,515, G>T on the plus strand (C>A on the coding strand, the complement: MRTFA is on the minus strand). VCF-style: chr22-40411515-G-T. GRCh37 (hg19) VCF-style: chr22-40807519-G-T.
Other names: c.2671C>A, p.Leu891Met (NM_001282660.2); c.2821C>A, p.Leu941Met (NM_001282661.3); c.*284C>A (NM_001282662.3); c.2776C>A, p.Leu926Met (NM_001318139.2); short protein forms L941M, L926M, L991M, L891M.
Identifiers: ClinVar variation 2817974 (VCV002817974.3), dbSNP rs751291054, ClinGen allele CA411651422.